The following is an entry in ClinVar:

NM_003872.3(NRP2):c.2425+9449C>A

Gene: NRP2 (neuropilin 2; plus strand). Cytogenetic location: 2q33.3.
Variant type: single nucleotide variant.
Coding change: c.2425+9449C>A on transcript NM_003872.3 (MANE Select); 9449 bases into the intron after coding-DNA position 2425, C replaced by A.
Molecular consequence: intron variant. On other transcripts: missense variant (2).
Genome position (GRCh38, 1-based): chr2:205,776,252, C>A. VCF-style: chr2-205776252-C-A. GRCh37 (hg19) VCF-style: chr2-206640976-C-A.
Other names: c.2447C>A, p.Thr816Asn (NM_018534.4); c.2432C>A, p.Thr811Asn (NM_201267.2); c.2440+9434C>A (NM_201266.2); c.2425+9449C>A (NM_201279.2); short protein forms T811N, T816N.
Identifiers: ClinVar variation 4993094 (VCV004993094.1).

ClinVar aggregate classification (germline): Uncertain significance (1 of 4 stars; one submission).

Conditions:
NRP2-related disorder. Also called: NRP2-related condition.

gnomAD v4.1: 1 of 1,612,770 alleles (0.000062%); highest among the groups gnomAD compares: Non-Finnish European, 0.000085%; no homozygotes.

Submission:

PreventionGenetics, part of Exact Sciences
Classification: Uncertain significance for NRP2-related condition. Last evaluated: 2025-12-04. Review status: criteria provided, single submitter. Criteria: ACMG Guidelines, 2015. Collection method: clinical testing. Allele origin: germline.
Comment: The NRP2 c.2447C>A variant is predicted to result in the amino acid substitution p.Thr816Asn. To our knowledge, this variant has not been reported in the literature or in a large population database (gnomAD), indicating this variant is rare. At this time, the clinical significance of this variant is uncertain due to the absence of conclusive functional and genetic evidence.